The following is an entry in ClinVar:

NM_015631.6(TCTN3):c.1705G>A (p.Asp569Asn)

Gene: TCTN3 (tectonic family member 3; minus strand). Cytogenetic location: 10q24.1.
Variant type: single nucleotide variant.
Coding change: c.1705G>A on transcript NM_015631.6 (MANE Select); coding-DNA position 1705, G replaced by A.
Protein change: p.Asp569Asn; replaces aspartic acid 569 with asparagine.
Molecular consequence: missense variant.
Genome position (GRCh38, 1-based): chr10:95,664,186, C>T on the plus strand (G>A on the coding strand, the complement: TCTN3 is on the minus strand). VCF-style: chr10-95664186-C-T. GRCh37 (hg19) VCF-style: chr10-97423943-C-T.
Other names: c.1261G>A, p.Asp421Asn (NM_001143973.2); c.1705G>A (NM_015631.5); short protein forms D421N, D569N.
Identifiers: ClinVar variation 1411675 (VCV001411675.6), dbSNP rs780308423, ClinGen allele CA5620750.
Genomic context (GRCh38, chr10:95,664,186, plus strand): 5'-AGACTGAGCATTTTTGAGAGAATACTCCTCTGCTGAATGCCACTTTGAAGGGAAAGAAGT[C>T]GAATGGCCATTTCCAGTCCATTTTGGGTTGGCCCCTTGGAGGCTGTGGCTTCTGGGTAAT-3'
Protein context (NP_056446.4, residues 559-579): QPKMDWKWPF[Asp569Asn]FFPFKVAFSR

ClinVar aggregate classification (germline): Uncertain significance. Review status: criteria provided, multiple submitters, no conflicts (2 of 4 stars). 3 submissions from 3 submitters: Uncertain significance (3). Last evaluated 2025-09-28.

Conditions:
Inborn genetic diseases. Identifiers: MedGen C0950123, MeSH D030342.
Joubert syndrome 18 (JBTS18). Identifiers: Orphanet 2754, MedGen C3553758, MONDO:0013896, OMIM 614815.
Orofacial-digital syndrome IV (OFD4). Also called: BARAITSER-BURN SYNDROME; MOHR-MAJEWSKI SYNDROME; OFD SYNDROME WITH TIBIAL DEFECTS; OFD SYNDROME, BARAITSER-BURN TYPE; OFDS IV; ORAL-FACIAL-DIGITAL SYNDROME, TYPE IV. Identifiers: Orphanet 2753, MedGen C0406727, MONDO:0009794, OMIM 258860.

Allele frequency attached by ClinVar (database versions not stated): ExAC 0.00009; gnomAD 0.00009 and 0.00010; TOPMed 0.00015.
gnomAD v4.1: 170 of 1,614,028 alleles (0.011%); highest among the groups gnomAD compares: Non-Finnish European, 0.013%; no homozygotes.

Submissions (3):

Ambry Genetics
Classification: Uncertain significance for Inborn genetic diseases. Last evaluated: 2025-09-28. Review status: criteria provided, single submitter. Criteria: Ambry Variant Classification Scheme 2023. Collection method: clinical testing. Allele origin: germline.

GeneDx
Classification: Uncertain significance. Last evaluated: 2024-08-10. Review status: criteria provided, single submitter. Criteria: GeneDx Variant Classification Process June 2021. Collection method: clinical testing. Allele origin: germline. Affected: yes.
Comment: In silico analysis indicates that this missense variant does not alter protein structure/function; Has not been previously published as pathogenic or benign to our knowledge

Labcorp Genetics (formerly Invitae), Labcorp
Classification: Uncertain significance for Joubert syndrome 18; Orofacial-digital syndrome IV. Last evaluated: 2022-07-25. Review status: criteria provided, single submitter. Criteria: Invitae Variant Classification Sherloc (09022015). Collection method: clinical testing. Allele origin: germline.
Comment: This sequence change replaces aspartic acid, which is acidic and polar, with asparagine, which is neutral and polar, at codon 569 of the TCTN3 protein (p.Asp569Asn). This variant is present in population databases (rs780308423, gnomAD 0.02%). This variant has not been reported in the literature in individuals affected with TCTN3-related conditions. ClinVar contains an entry for this variant (Variation ID: 1411675). Algorithms developed to predict the effect of missense changes on protein structure and function are either unavailable or do not agree on the potential impact of this missense change (SIFT: "Tolerated"; PolyPhen-2: "Probably Damaging"; Align-GVGD: "Class C0"). In summary, the available evidence is currently insufficient to determine the role of this variant in disease. Therefore, it has been classified as a Variant of Uncertain Significance.